The following is an entry in ClinVar:

ClinVar aggregate classification (germline): Uncertain significance. Review status: criteria provided, multiple submitters, no conflicts (2 of 4 stars). 2 submissions from 2 submitters: Uncertain significance (2). Last evaluated 2023-10-03.

Allele frequency attached by ClinVar (database versions not stated): TOPMed 0.00001.
gnomAD v4.1: 34 of 1,453,468 alleles (0.0023%); highest among the groups gnomAD compares: Non-Finnish European, 0.003%; no homozygotes.

Submissions (2):

Mayo Clinic Laboratories, Mayo Clinic
Classification: Uncertain significance. Last evaluated: 2023-10-03. Review status: criteria provided, single submitter. Criteria: ACMG Guidelines, 2015. Collection method: clinical testing. Allele origin: germline. Observed: 1 variant allele.
Comment: BP4, PM2

Revvity Omics, Revvity
Classification: Uncertain significance. Last evaluated: 2021-04-22. Review status: criteria provided, single submitter. Criteria: ACMG Guidelines, 2015. Collection method: clinical testing. Allele origin: germline.

NM_001267550.2(TTN):c.31202A>G (p.Tyr10401Cys)

Gene: TTN (titin; minus strand). Cytogenetic location: 2q31.2.
Variant type: single nucleotide variant.
Coding change: c.31202A>G on transcript NM_001267550.2 (MANE Select); coding-DNA position 31202, A replaced by G.
Protein change: p.Tyr10401Cys; replaces tyrosine 10401 with cysteine.
Molecular consequence: missense variant. On other transcripts: intron variant (3).
Genome position (GRCh38, 1-based): chr2:178,695,870, T>C on the plus strand (A>G on the coding strand, the complement: TTN is on the minus strand). VCF-style: chr2-178695870-T-C. GRCh37 (hg19) VCF-style: chr2-179560597-T-C.
Other names: p.Tyr10084Cys; c.30251A>G, p.Tyr10084Cys (NM_001256850.1); c.27470A>G, p.Tyr9157Cys (NM_133378.4); c.13282+42212A>G (NM_003319.4); c.13858+42212A>G (NM_133437.4); c.13657+42212A>G (NM_133432.3); short protein forms Y10084C, Y10401C, Y9157C.
Identifiers: ClinVar variation 2437921 (VCV002437921.4), dbSNP rs1212278171, ClinGen allele CA349564897.